The following is an entry in ClinVar:

ClinVar aggregate classification (germline): Conflicting classifications of pathogenicity. Review status: criteria provided, conflicting classifications (1 of 4 stars). 8 submissions from 8 submitters: Uncertain significance (2); Likely benign (5). 1 of the submissions does not count toward it. Last evaluated 2026-01-28.

Conditions:
Colorectal cancer, susceptibility to, 1. Also called: COLORECTAL ADENOMA AND CANCER, SUSCEPTIBILITY TO; COLORECTAL CANCER, SUSCEPTIBILITY TO, ON CHROMOSOME 9. Identifiers: MedGen C1837315, MONDO:0012132, OMIM 608812.
GALNT12-related disorder. Also called: GALNT12-related condition.
Familial colorectal cancer. Identifiers: MedGen CN280943, MONDO:0023113. Disease mechanism: loss of function.

Allele frequency attached by ClinVar (database versions not stated): 1000 Genomes Project 0.00020; ESP Exome Variant Server 0.00023; 1000 Genomes Project 30x 0.00031; gnomAD exomes 0.00039 and 0.00130; TOPMed 0.00048; ExAC 0.00051.

Submissions (8):

Labcorp Genetics (formerly Invitae), Labcorp
Classification: Uncertain significance. Last evaluated: 2026-01-28. Review status: criteria provided, single submitter. Criteria: Invitae Variant Classification Sherloc (09022015). Collection method: clinical testing. Allele origin: germline.
Comment: This sequence change replaces asparagine, which is neutral and polar, with serine, which is neutral and polar, at codon 189 of the GALNT12 protein (p.Asn189Ser). This variant is present in population databases (rs183981750, gnomAD 0.07%), and has an allele count higher than expected for a pathogenic variant. This variant has not been reported in the literature in individuals affected with GALNT12-related conditions. ClinVar contains an entry for this variant (Variation ID: 220845). Invitae Evidence Modeling of protein sequence and biophysical properties (such as structural, functional, and spatial information, amino acid conservation, physicochemical variation, residue mobility, and thermodynamic stability) indicates that this missense variant is not expected to disrupt GALNT12 protein function with a negative predictive value of 80%. In summary, the available evidence is currently insufficient to determine the role of this variant in disease. Therefore, it has been classified as a Variant of Uncertain Significance.

Dasa
Classification: Likely benign. Last evaluated: 2026-01-05. Review status: criteria provided, single submitter. Criteria: DASA Assertion Criteria. Collection method: clinical testing. Allele origin: germline.
Comment: NM_024642.5(GALNT12):c.566A>G (p.Asn189Ser) is a missense variant that results in the substitution of asparagine with serine. Population frequency is inconsistent with a disease-causing role for this variant. Computational prediction algorithms are consistent with a benign effect. Therefore, based on the currently available evidence, this variant is classified as likely benign.

Quest Diagnostics Nichols Institute San Juan Capistrano
Classification: Likely benign. Last evaluated: 2025-03-07. Review status: criteria provided, single submitter. Criteria: Quest Diagnostics criteria. Collection method: clinical testing. Allele origin: unknown.

Blueprint Genetics
Classification: Likely benign. Last evaluated: 2024-11-06. Review status: criteria provided, single submitter. Criteria: ACMG Guidelines, 2015. Collection method: clinical testing. Allele origin: germline.

Department of Pathology and Laboratory Medicine, Sinai Health System
Classification: Uncertain significance for Colorectal cancer, susceptibility to, 1. Last evaluated: 2024-09-23. Review status: criteria provided, single submitter. Criteria: ACMG Guidelines, 2015. Collection method: clinical testing. Allele origin: germline. Affected: yes.

Fulgent Genetics
Classification: Likely benign for Colorectal cancer, susceptibility to, 1. Last evaluated: 2024-04-16. Review status: criteria provided, single submitter. Criteria: ACMG Guidelines, 2015. Collection method: clinical testing. Allele origin: germline.

Ambry Genetics
Classification: Likely benign. Last evaluated: 2022-11-23. Review status: criteria provided, single submitter. Criteria: Ambry Variant Classification Scheme 2023. Collection method: clinical testing. Allele origin: germline.

PreventionGenetics, part of Exact Sciences
Classification: Likely benign for GALNT12-related condition. Last evaluated: 2024-06-11. Review status: no assertion criteria provided. Collection method: clinical testing. Allele origin: germline. Not counted in ClinVar's aggregate classification.
Comment: This variant is classified as likely benign based on ACMG/AMP sequence variant interpretation guidelines (Richards et al. 2015 PMID: 25741868, with internal and published modifications).

Literature cited by the submitters: PubMed 29095867 (cited by Ambry Genetics).

NM_024642.5(GALNT12):c.566A>G (p.Asn189Ser)

Gene: GALNT12 (polypeptide N-acetylgalactosaminyltransferase 12; plus strand). Cytogenetic location: 9q22.33.
Variant type: single nucleotide variant.
Coding change: c.566A>G on transcript NM_024642.5 (MANE Select); coding-DNA position 566, A replaced by G.
Protein change: p.Asn189Ser; replaces asparagine 189 with serine.
Molecular consequence: missense variant.
Genome position (GRCh38, 1-based): chr9:98,826,776, A>G. VCF-style: chr9-98826776-A-G. GRCh37 (hg19) VCF-style: chr9-101589058-A-G.
Other names: short protein forms N189S.
Identifiers: ClinVar variation 220845 (VCV000220845.24), dbSNP rs183981750, ClinGen allele CA349031.